The following is an entry in ClinVar:

ClinVar aggregate classification (germline): Likely pathogenic (1 of 4 stars; one submission).

Conditions:
X-linked Alport syndrome (ATS1). Also called: COL4A5-Related Nephropathy; NEPHROPATHY AND DEAFNESS, X-LINKED. Identifiers: Orphanet 63, Orphanet 88917, MedGen C4746986, MONDO:0010520, OMIM 301050.

Submission:

MVZ Medizinische Genetik Mainz
Classification: Likely pathogenic for X-linked Alport syndrome. Last evaluated: 2025-08-15. Review status: criteria provided, single submitter. Criteria: UK Practice Guidelines For Variant Classification V4 01 2020. Collection method: clinical testing. Allele origin: germline. Inheritance: Unknown mechanism. Affected: yes. Observed: 1 variant allele.
Comment: ACMG Criteria: PP3_STR,PM1_SUP,PM2_SUP,PM5_SUP,PP4

NM_033380.3(COL4A5):c.2050G>A (p.Gly684Arg)

Gene: COL4A5 (collagen type IV alpha 5 chain; plus strand). Cytogenetic location: Xq22.3.
Variant type: single nucleotide variant.
Coding change: c.2050G>A on transcript NM_033380.3 (MANE Select); coding-DNA position 2050, G replaced by A.
Protein change: p.Gly684Arg; replaces glycine 684 with arginine.
Molecular consequence: missense variant.
Genome position (GRCh38, 1-based): chrX:108,601,893, G>A. VCF-style: chrX-108601893-G-A. GRCh37 (hg19) VCF-style: chrX-107845123-G-A.
Other names: c.2050G>A, p.Gly684Arg (NM_000495.5); short protein forms G684R.
Identifiers: ClinVar variation 4277260 (VCV004277260.1).